The following is an entry in ClinVar:

NM_024422.6(DSC2):c.977A>C (p.Gln326Pro)

Gene: DSC2 (desmocollin 2; minus strand). Cytogenetic location: 18q12.1.
Variant type: single nucleotide variant.
Coding change: c.977A>C on transcript NM_024422.6 (MANE Select); coding-DNA position 977, A replaced by C.
Protein change: p.Gln326Pro; replaces glutamine 326 with proline.
Molecular consequence: missense variant.
Genome position (GRCh38, 1-based): chr18:31,083,026, T>G on the plus strand (A>C on the coding strand, the complement: DSC2 is on the minus strand). VCF-style: chr18-31083026-T-G. GRCh37 (hg19) VCF-style: chr18-28662992-T-G.
Other names: c.977A>C, p.Gln326Pro (NM_004949.5); short protein forms Q326P.
Identifiers: ClinVar variation 46205 (VCV000046205.22), dbSNP rs397517409, ClinGen allele CA022985.

ClinVar aggregate classification (germline): Uncertain significance. Review status: criteria provided, multiple submitters, no conflicts (2 of 4 stars). 7 submissions from 7 submitters: Uncertain significance (7). Last evaluated 2025-09-09.

Conditions:
Cardiovascular phenotype. Identifiers: MedGen CN230736.
Familial isolated arrhythmogenic right ventricular dysplasia. Identifiers: Orphanet 217656, MedGen C4274968, MONDO:0016342.
Cardiomyopathy (CMYO). Also called: Cardiomyopathies. Identifiers: Orphanet 167848, MedGen C0878544, MONDO:0004994, HP:0001638. Inheritance: Various modes of inheritance.
Arrhythmogenic right ventricular dysplasia 11. Also called: Arrhythmogenic Right Ventricular Dysplasia/Cardiomyopathy11; ARRHYTHMOGENIC RIGHT VENTRICULAR DYSPLASIA, FAMILIAL, 11; Arrhythmogenic right ventricular dysplasia 11 with mild palmoplantar keratoderma and woolly hair. Identifiers: MedGen C1864850, MONDO:0012506, OMIM 610476.

Allele frequency attached by ClinVar (database versions not stated): gnomAD 0.00002; gnomAD exomes 0.00002; TOPMed 0.00002.
gnomAD v4.1: 26 of 1,612,928 alleles (0.0016%); highest among the groups gnomAD compares: Non-Finnish European, 0.0022%; no homozygotes.

Submissions (7):

Ambry Genetics
Classification: Uncertain significance for Cardiovascular phenotype. Last evaluated: 2025-09-09. Review status: criteria provided, single submitter. Criteria: Ambry Variant Classification Scheme 2023. Collection method: clinical testing. Allele origin: germline.

Labcorp Genetics (formerly Invitae), Labcorp
Classification: Uncertain significance for Arrhythmogenic right ventricular dysplasia 11. Last evaluated: 2025-03-12. Review status: criteria provided, single submitter. Criteria: Invitae Variant Classification Sherloc (09022015). Collection method: clinical testing. Allele origin: germline.
Comment: This sequence change replaces glutamine, which is neutral and polar, with proline, which is neutral and non-polar, at codon 326 of the DSC2 protein (p.Gln326Pro). This variant is present in population databases (rs397517409, gnomAD 0.007%). This variant has not been reported in the literature in individuals affected with DSC2-related conditions. ClinVar contains an entry for this variant (Variation ID: 46205). Invitae Evidence Modeling of protein sequence and biophysical properties (such as structural, functional, and spatial information, amino acid conservation, physicochemical variation, residue mobility, and thermodynamic stability) has been performed for this missense variant. However, the output from this modeling did not meet the statistical confidence thresholds required to predict the impact of this variant on DSC2 protein function. In summary, the available evidence is currently insufficient to determine the role of this variant in disease. Therefore, it has been classified as a Variant of Uncertain Significance.

Blueprint Genetics
Classification: Uncertain significance. Last evaluated: 2024-08-21. Review status: criteria provided, single submitter. Criteria: ACMG Guidelines, 2015. Collection method: clinical testing. Allele origin: germline.

GeneDx
Classification: Uncertain significance. Last evaluated: 2024-06-21. Review status: criteria provided, single submitter. Criteria: GeneDx Variant Classification Process June 2021. Collection method: clinical testing. Allele origin: germline. Affected: yes.
Comment: Has not been previously published as pathogenic or benign to our knowledge; Not observed at significant frequency in large population cohorts (gnomAD); In silico analysis supports that this missense variant has a deleterious effect on protein structure/function

Color Diagnostics, LLC DBA Color Health
Classification: Uncertain significance for Cardiomyopathy. Last evaluated: 2024-03-06. Review status: criteria provided, single submitter. Criteria: ACMG Guidelines, 2015. Collection method: clinical testing. Allele origin: germline.
Comment: This missense variant replaces glutamine with proline at codon 326 of the DSC2 protein. Computational prediction suggests that this variant may not impact protein structure and function (internally defined REVEL score threshold <= 0.5, PMID: 27666373). To our knowledge, functional studies have not been reported for this variant. This variant has not been reported in individuals affected with cardiovascular disorders in the literature. This variant has been identified in 1/31398 chromosomes in the general population by the Genome Aggregation Database (gnomAD). The available evidence is insufficient to determine the role of this variant in disease conclusively. Therefore, this variant is classified as a Variant of Uncertain Significance.

All of Us Research Program, National Institutes of Health
Classification: Uncertain significance for Familial isolated arrhythmogenic right ventricular dysplasia. Last evaluated: 2023-08-15. Review status: criteria provided, single submitter. Criteria: ACMG Guidelines, 2015. Collection method: clinical testing. Allele origin: germline. Inheritance: Autosomal dominant inheritance. Observed: 1 variant allele, 1 heterozygote.
Comment: This missense variant replaces glutamine with proline at codon 326 of the DSC2 protein. Computational prediction suggests that this variant may not impact protein structure and function (internally defined REVEL score threshold <= 0.5, PMID: 27666373). Splice site prediction tools suggest that this variant may not impact RNA splicing. To our knowledge, functional studies have not been performed for this variant. This variant has not been reported in individuals affected with cardiovascular disorders in the literature. This variant has been identified in 1/31398 chromosomes in the general population by the Genome Aggregation Database (gnomAD). The available evidence is insufficient to determine the role of this variant in disease conclusively. Therefore, this variant is classified as a Variant of Uncertain Significance.

This study involves interpretation of variants in research participants for the purpose of population health screening. Participant phenotype was not available at the time of variant classification. Additional details can be found in publication PMID: 35346344, PMCID: PMC8962531

Laboratory for Molecular Medicine, Mass General Brigham Personalized Medicine
Classification: Uncertain significance. Last evaluated: 2012-05-25. Review status: criteria provided, single submitter. Criteria: LMM Criteria. Collection method: clinical testing. Allele origin: germline. Observed: 5 variant alleles.
Comment: Variant classified as Uncertain Significance - Favor Pathogenic. The Gln326Pro v ariant in DSC2 has not been reported in the literature and was not detected in 8 ,600 European American and 4,400 African American chromosomes screened by the NH LBI Exome Sequencing Project. This variant h as been identified in 3 individuals (2 with ARVC, 1 with DCM) tested by our labo ratory. Computational analyses (biochemical amino acid properties, conservation, AlignGVGD, PolyPhen2, and SIFT) do not provide strong support for or against an impact to the protein. In summary, absence from the ge neral population is consistent with pathogenicity; however, homozygosity in 1 in dividual and the presence of a second, likely pathogenic variant in another indi vidual raise some doubt as to whether this variant can cause disease. Additional studies are needed to fully assess its clinical significance.